The following is an entry in ClinVar:

ClinVar aggregate classification (germline): Benign (1 of 4 stars; one submission).

Conditions:
Doyne honeycomb retinal dystrophy (DHRD). Also called: DOYNE HONEYCOMB DEGENERATION OF RETINA; MALATTIA LEVENTINESE; DRUSEN, RADIAL, AUTOSOMAL DOMINANT. Identifiers: Orphanet 75376, MedGen C1832174, MONDO:0007471, OMIM 126600.

Allele frequency attached by ClinVar (database versions not stated): gnomAD 0.01876 and 0.02006; TOPMed 0.02133; 1000 Genomes Project 0.02416; 1000 Genomes Project 30x 0.02592.

Submission:

Illumina Laboratory Services, Illumina
Classification: Benign for Doyne honeycomb retinal dystrophy. Last evaluated: 2018-01-12. Review status: criteria provided, single submitter. Criteria: ICSL Variant Classification Criteria 13 December 2019. Collection method: clinical testing. Allele origin: germline.
Comment: This variant was observed in the ICSL laboratory as part of a predisposition screen in an ostensibly healthy population. It had not been previously curated by ICSL or reported in the Human Gene Mutation Database (HGMD: prior to June 1st, 2018), and was therefore a candidate for classification through an automated scoring system. Utilizing variant allele frequency, disease prevalence and penetrance estimates, and inheritance mode, an automated score was calculated to assess if this variant is too frequent to cause the disease. Based on the score and internal cut-off values, a variant classified as benign is not then subjected to further curation. The score for this variant resulted in a classification of benign for this disease.

NM_001039348.3(EFEMP1):c.*1063G>A

Gene: EFEMP1 (EGF-like fibulin extracellular matrix protein 1; minus strand). Cytogenetic location: 2p16.1.
Variant type: single nucleotide variant.
Coding change: c.*1063G>A on transcript NM_001039348.3 (MANE Select); 1063 bases downstream of the stop codon, G replaced by A.
Molecular consequence: 3 prime UTR variant.
Genome position (GRCh38, 1-based): chr2:55,866,010, C>T on the plus strand (G>A on the coding strand, the complement: EFEMP1 is on the minus strand). VCF-style: chr2-55866010-C-T. GRCh37 (hg19) VCF-style: chr2-56093145-C-T.
Other names: c.*1063G>A (NM_001039349.3).
Identifiers: ClinVar variation 336606 (VCV000336606.5), dbSNP rs112334283, ClinGen allele CA10615874.